The following is an entry in ClinVar:

ClinVar aggregate classification (germline): Uncertain significance (1 of 4 stars; one submission).

Conditions:
Familial encephalopathy with neuroserpin inclusion bodies. Also called: ENCEPHALOPATHY, FAMILIAL, WITH COLLINS BODIES. Identifiers: Orphanet 85110, MedGen C1858680, MONDO:0011412, OMIM 604218.

Submission:

Labcorp Genetics (formerly Invitae), Labcorp
Classification: Uncertain significance for Familial encephalopathy with neuroserpin inclusion bodies. Last evaluated: 2024-06-03. Review status: criteria provided, single submitter. Criteria: Invitae Variant Classification Sherloc (09022015). Collection method: clinical testing. Allele origin: germline.
Comment: This sequence change falls in intron 5 of the SERPINI1 gene. It does not directly change the encoded amino acid sequence of the SERPINI1 protein. It affects a nucleotide within the consensus splice site. This variant is not present in population databases (gnomAD no frequency). This variant has not been reported in the literature in individuals affected with SERPINI1-related conditions. Variants that disrupt the consensus splice site are a relatively common cause of aberrant splicing (PMID: 17576681, 9536098). Algorithms developed to predict the effect of sequence changes on RNA splicing suggest that this variant is not likely to affect RNA splicing. In summary, the available evidence is currently insufficient to determine the role of this variant in disease. Therefore, it has been classified as a Variant of Uncertain Significance.

Literature cited by the submitters: PubMed 17576681; PubMed 9536098.

NM_001122752.2(SERPINI1):c.882-3C>T

Gene: SERPINI1 (serpin family I member 1; plus strand). Cytogenetic location: 3q26.1.
Variant type: single nucleotide variant.
Coding change: c.882-3C>T on transcript NM_001122752.2 (MANE Select); 3 bases into the intron before coding-DNA position 882, C replaced by T.
Molecular consequence: intron variant.
Genome position (GRCh38, 1-based): chr3:167,807,241, C>T. VCF-style: chr3-167807241-C-T. GRCh37 (hg19) VCF-style: chr3-167525029-C-T.
Other names: c.882-3C>T (NM_005025.5).
Identifiers: ClinVar variation 2817791 (VCV002817791.3), dbSNP rs2473305145, ClinGen allele CA2739280064.
Genomic context (GRCh38, chr3:167,807,241, plus strand): 5'-TTGTTCTTGTTCCAGGTAACAAGATGCTCTAACTAAATATTTTTCTCCCTATGTGTTCTC[C>T]AGGTTCACAGTGGAACAGGAAATTGATTTAAAAGATGTTTTGAAGGCTCTTGGAATAACT-3'